The following is an entry in ClinVar:

NM_021096.4(CACNA1I):c.1423G>A (p.Ala475Thr)

Gene: CACNA1I (calcium voltage-gated channel subunit alpha1 I; plus strand). Cytogenetic location: 22q13.1.
Variant type: single nucleotide variant.
Coding change: c.1423G>A on transcript NM_021096.4 (MANE Select); coding-DNA position 1423, G replaced by A.
Protein change: p.Ala475Thr; replaces alanine 475 with threonine.
Molecular consequence: missense variant.
Genome position (GRCh38, 1-based): chr22:39,646,842, G>A. VCF-style: chr22-39646842-G-A. GRCh37 (hg19) VCF-style: chr22-40042847-G-A.
Other names: c.1423G>A, p.Ala475Thr (NM_001003406.2); short protein forms A475T.
Identifiers: ClinVar variation 1984073 (VCV001984073.4), dbSNP rs1263551029, ClinGen allele CA411642792.

ClinVar aggregate classification (germline): Uncertain significance (1 of 4 stars; one submission).

Allele frequency attached by ClinVar (database versions not stated): gnomAD 0.00001.

Submission:

Labcorp Genetics (formerly Invitae), Labcorp
Classification: Uncertain significance. Last evaluated: 2022-07-28. Review status: criteria provided, single submitter. Criteria: Invitae Variant Classification Sherloc (09022015). Collection method: clinical testing. Allele origin: germline.
Comment: This variant is not present in population databases (gnomAD no frequency). This variant has not been reported in the literature in individuals affected with CACNA1I-related conditions. Algorithms developed to predict the effect of missense changes on protein structure and function output the following: SIFT: "Tolerated"; PolyPhen-2: "Benign"; Align-GVGD: "Class C0". The threonine amino acid residue is found in multiple mammalian species, which suggests that this missense change does not adversely affect protein function. In summary, the available evidence is currently insufficient to determine the role of this variant in disease. Therefore, it has been classified as a Variant of Uncertain Significance. This sequence change replaces alanine, which is neutral and non-polar, with threonine, which is neutral and polar, at codon 475 of the CACNA1I protein (p.Ala475Thr).